The following is an entry in ClinVar:

ClinVar aggregate classification (germline): Uncertain significance (1 of 4 stars; one submission).

Allele frequency attached by ClinVar (database versions not stated): gnomAD 0.00001; gnomAD exomes 0.00001; ExAC 0.00004; 1000 Genomes Project 30x 0.00031; 1000 Genomes Project 0.00040.
gnomAD v4.1: 11 of 1,571,582 alleles (0.0007%); highest among the groups gnomAD compares: South Asian, 0.011%; no homozygotes.

Submission:

Labcorp Genetics (formerly Invitae), Labcorp
Classification: Uncertain significance. Last evaluated: 2022-09-12. Review status: criteria provided, single submitter. Criteria: Invitae Variant Classification Sherloc (09022015). Collection method: clinical testing. Allele origin: germline.
Comment: In summary, the available evidence is currently insufficient to determine the role of this variant in disease. Therefore, it has been classified as a Variant of Uncertain Significance. Variants that disrupt the consensus splice site are a relatively common cause of aberrant splicing (PMID: 17576681, 9536098). Algorithms developed to predict the effect of sequence changes on RNA splicing suggest that this variant may create or strengthen a splice site. This variant has not been reported in the literature in individuals affected with ATP5A1-related conditions. This variant is present in population databases (rs575519975, gnomAD 0.02%). This sequence change falls in intron 4 of the ATP5A1 gene. It does not directly change the encoded amino acid sequence of the ATP5A1 protein. It affects a nucleotide within the consensus splice site.

Literature cited by the submitters: PubMed 17576681; PubMed 9536098.

NM_004046.6(ATP5F1A):c.309+4A>G

Gene: ATP5F1A (ATP synthase F1 subunit alpha; minus strand). Cytogenetic location: 18q21.1.
Variant type: single nucleotide variant.
Coding change: c.309+4A>G on transcript NM_004046.6 (MANE Select); 4 bases into the intron after coding-DNA position 309, A replaced by G.
Molecular consequence: intron variant.
Genome position (GRCh38, 1-based): chr18:46,091,678, T>C on the plus strand (A>G on the coding strand, the complement: ATP5F1A is on the minus strand). VCF-style: chr18-46091678-T-C. GRCh37 (hg19) VCF-style: chr18-43671644-T-C.
Other names: c.309+4A>G (NM_001001937.2, NM_001257334.2); c.159+4A>G (NM_001001935.3, NM_001257335.2).
Identifiers: ClinVar variation 1920598 (VCV001920598.5), dbSNP rs575519975, ClinGen allele CA8950850.